The following is an entry in ClinVar:

ClinVar aggregate classification (germline): Conflicting classifications of pathogenicity. Review status: criteria provided, conflicting classifications (1 of 4 stars). 9 submissions from 7 submitters: Uncertain significance (5); Likely benign (2). 2 of the submissions do not count toward it. Last evaluated 2024-06-19.

Conditions:
Familial Mediterranean fever, autosomal dominant. Also called: Dominant Familial Mediterranean Fever; FMF, AUTOSOMAL DOMINANT. Identifiers: Orphanet 342, MedGen C1851347, MONDO:0007601, OMIM 134610.
Acute febrile neutrophilic dermatosis (AFND). Also called: Sweet Syndrome; Gomm Button disease. Identifiers: Orphanet 3243, MedGen C0085077, MONDO:0011959, OMIM 608068.
Familial Mediterranean fever (FMF). Also called: POLYSEROSITIS, FAMILIAL PAROXYSMAL; POLYSEROSITIS, RECURRENT; Periodic peritonitis; Benign paroxysmal peritonitis. Identifiers: Orphanet 342, MedGen C0031069, MONDO:0018088, OMIM 249100. Disease mechanism: gain of function.

Allele frequency attached by ClinVar (database versions not stated): ExAC 0.00005; 1000 Genomes Project 30x 0.00016; gnomAD 0.00002 and 0.00003; gnomAD exomes 0.00002 and 0.00005; TOPMed 0.00003; 1000 Genomes Project 0.00020.
gnomAD v4.1: 32 of 1,613,948 alleles (0.002%); highest among the groups gnomAD compares: East Asian, 0.04%; no homozygotes.

Submissions (9):

GeneDx
Classification: Uncertain significance. Last evaluated: 2024-06-19. Review status: criteria provided, single submitter. Criteria: GeneDx Variant Classification Process June 2021. Collection method: clinical testing. Allele origin: germline. Affected: yes.
Comment: In silico analysis indicates that this missense variant does not alter protein structure/function; Has not been previously published as pathogenic or benign to our knowledge

Genome-Nilou Lab
Classification: Uncertain significance for Familial Mediterranean fever. Last evaluated: 2023-02-08. Review status: criteria provided, single submitter. Criteria: ACMG Guidelines, 2015. Collection method: clinical testing. Allele origin: germline.

Genome-Nilou Lab
Classification: Likely benign for Familial Mediterranean fever, autosomal dominant. Last evaluated: 2023-02-08. Review status: criteria provided, single submitter. Criteria: ACMG Guidelines, 2015. Collection method: clinical testing. Allele origin: germline.

Genome-Nilou Lab
Classification: Likely benign for Acute febrile neutrophilic dermatosis. Last evaluated: 2023-02-08. Review status: criteria provided, single submitter. Criteria: ACMG Guidelines, 2015. Collection method: clinical testing. Allele origin: germline.

Labcorp Genetics (formerly Invitae), Labcorp
Classification: Uncertain significance for Familial Mediterranean fever. Last evaluated: 2022-08-21. Review status: criteria provided, single submitter. Criteria: Invitae Variant Classification Sherloc (09022015). Collection method: clinical testing. Allele origin: germline.
Comment: This sequence change replaces arginine, which is basic and polar, with histidine, which is basic and polar, at codon 80 of the MEFV protein (p.Arg80His). This variant is present in population databases (rs201075710, gnomAD 0.05%). This missense change has been observed in individual(s) with unexplained fever (PMID: 27473114). ClinVar contains an entry for this variant (Variation ID: 633298). Algorithms developed to predict the effect of missense changes on protein structure and function output the following: SIFT: "Tolerated"; PolyPhen-2: "Benign"; Align-GVGD: "Class C0". The histidine amino acid residue is found in multiple mammalian species, which suggests that this missense change does not adversely affect protein function. In summary, the available evidence is currently insufficient to determine the role of this variant in disease. Therefore, it has been classified as a Variant of Uncertain Significance.

Fulgent Genetics
Classification: Uncertain significance for Familial Mediterranean fever, autosomal dominant; Familial Mediterranean fever; Acute febrile neutrophilic dermatosis. Last evaluated: 2022-04-29. Review status: criteria provided, single submitter. Criteria: ACMG Guidelines, 2015. Collection method: clinical testing. Allele origin: unknown.

Women's Health and Genetics/Laboratory Corporation of America, LabCorp
Classification: Uncertain significance. Last evaluated: 2018-03-13. Review status: criteria provided, single submitter. Criteria: LabCorp Variant Classification Summary - May 2015. Collection method: clinical testing. Allele origin: germline.
Comment: Variant summary: MEFV c.239G>A (p.Arg80His) results in a non-conservative amino acid change located in the DAPIN domain (IPR004020) of the encoded protein sequence. Four of five in-silico tools predict a benign effect of the variant on protein function. The variant allele was found at a frequency of 5.4e-05 in 275748 control chromosomes (gnomAD and literature). This frequency is not significantly higher than expected for a pathogenic variant in MEFV causing Familial Mediterranean Fever (5.4e-05 vs 2.20e-02), allowing no conclusion about variant significance. c.239G>A has not been reported in the literature in individuals affected with Familial Mediterranean Fever. To our knowledge, no experimental evidence demonstrating an impact on protein function has been reported. No clinical diagnostic laboratories have submitted clinical-significance assessments for this variant to ClinVar after 2014. Based on the evidence outlined above, the variant was classified as uncertain significance.

Molecular Genetics Laboratory, BC Children's and BC Women's Hospitals
Classification: Uncertain significance for Familial Mediterranean fever. Last evaluated: 2021-09-13. Review status: no assertion criteria provided. Criteria: ACMG Guidelines, 2015. Collection method: clinical testing. Allele origin: germline. Not counted in ClinVar's aggregate classification.

Natera, Inc.
Classification: Uncertain significance for Familial Mediterranean fever. Last evaluated: 2020-09-16. Review status: no assertion criteria provided. Collection method: clinical testing. Allele origin: germline. Not counted in ClinVar's aggregate classification.

Literature cited by the submitters: PubMed 27473114 (cited by Labcorp Genetics (formerly Invitae), Labcorp and Women's Health and Genetics/Laboratory Corporation of America, LabCorp).

NM_000243.3(MEFV):c.239G>A (p.Arg80His)

Gene: MEFV (MEFV innate immunity regulator, pyrin; minus strand). Cytogenetic location: 16p13.3.
Variant type: single nucleotide variant.
Coding change: c.239G>A on transcript NM_000243.3 (MANE Select); coding-DNA position 239, G replaced by A.
Protein change: p.Arg80His; replaces arginine 80 with histidine.
Molecular consequence: missense variant.
Genome position (GRCh38, 1-based): chr16:3,256,349, C>T on the plus strand (G>A on the coding strand, the complement: MEFV is on the minus strand). VCF-style: chr16-3256349-C-T. GRCh37 (hg19) VCF-style: chr16-3306349-C-T.
Other names: c.239G>A, p.Arg80His (NM_001198536.2); short protein forms R80H.
Identifiers: ClinVar variation 633298 (VCV000633298.9), dbSNP rs201075710, ClinGen allele CA7860497.
Genomic context (GRCh38, chr16:3,256,349, plus strand): 5'-GAGGAGGCCTGGGCCCGCTTACCCTGAATGGCTGCCCTGTGGAGCTCCTCGGCCAGCAGG[C>T]GCTGGTTGATGGCCCGCAGGACCTGCAGGGTGAGCTGCACGGCGTACTCTTCCCCATAGT-3'
Protein context (NP_000234.1, residues 70-90): TLQVLRAINQ[Arg80His]LLAEELHRAA